The following is an entry in ClinVar:

NM_004655.4(AXIN2):c.1752_1760del (p.Gly585_Glu587del)

Gene: AXIN2 (axin 2; minus strand). Cytogenetic location: 17q24.1.
Variant type: Deletion.
Coding change: c.1752_1760del on transcript NM_004655.4 (MANE Select); coding-DNA positions 1752 to 1760, 9 bases deleted (AGGCACGGA; older notation c.1752_1760delAGGCACGGA).
Protein change: p.Gly585_Glu587del.
Molecular consequence: inframe indel (on NM_004655.3). On other transcripts: intron variant (1).
Genome position (GRCh38, 1-based): chr17:65,537,016-65,537,024, TCCGTGCCT deleted on the plus strand (AGGCACGGA on the coding strand, the reverse complement: AXIN2 is on the minus strand); deleting any 9 consecutive bases within chr17:65,537,016-65,537,025 gives the same sequence; the c. name uses the placement nearest the transcript's 3' end. VCF-style (leftmost placement, unchanged base first): chr17-65537015-CTCCGTGCCT-C. GRCh37 (hg19) VCF-style: chr17-63533133-CTCCGTGCCT-C.
Other names: c.1751_1759delAAGGCACGG, p.Gly585_Glu587del (NM_004655.3); c.1712+300_1712+308del (NM_001363813.1).
Identifiers: ClinVar variation 3364043 (VCV003364043.1).

ClinVar aggregate classification (germline): Uncertain significance (1 of 4 stars; one submission).

Submission:

GeneDx
Classification: Uncertain significance. Last evaluated: 2023-11-10. Review status: criteria provided, single submitter. Criteria: GeneDx Variant Classification Process June 2021. Collection method: clinical testing. Allele origin: germline. Affected: yes.
Comment: In-frame deletion of 3 amino acids in a non-repeat region; Not observed at significant frequency in large population cohorts (gnomAD); In silico analysis supports that this variant does not alter protein structure/function; Has not been previously published as pathogenic or benign to our knowledge